The following is an entry in ClinVar:

ClinVar aggregate classification (germline): Uncertain significance (1 of 4 stars; one submission).

Conditions:
Charcot-Marie-Tooth disease axonal type 2P. Also called: CHARCOT-MARIE-TOOTH DISEASE, AXONAL, TYPE 2G; CMT 2G; Charcot-Marie-Tooth Neuropathy Type 2G; CHARCOT-MARIE-TOOTH NEUROPATHY, TYPE 2P. Identifiers: Orphanet 300319, Orphanet 99941, MedGen C3280797, MONDO:0013753, OMIM 614436.

gnomAD v4.1: 2 of 1,612,004 alleles (0.00012%); highest among the groups gnomAD compares: Admixed American, 0.0017%; no homozygotes.

Submission:

Labcorp Genetics (formerly Invitae), Labcorp
Classification: Uncertain significance for Charcot-Marie-Tooth disease axonal type 2P. Last evaluated: 2022-07-07. Review status: criteria provided, single submitter. Criteria: Invitae Variant Classification Sherloc (09022015). Collection method: clinical testing. Allele origin: germline.
Comment: This sequence change replaces arginine, which is basic and polar, with serine, which is neutral and polar, at codon 704 of the LRSAM1 protein (p.Arg704Ser). This variant is not present in population databases (gnomAD no frequency). This variant has not been reported in the literature in individuals affected with LRSAM1-related conditions. ClinVar contains an entry for this variant (Variation ID: 1356290). Algorithms developed to predict the effect of missense changes on protein structure and function are either unavailable or do not agree on the potential impact of this missense change (SIFT: "Deleterious"; PolyPhen-2: "Benign"; Align-GVGD: "Class C15"). In summary, the available evidence is currently insufficient to determine the role of this variant in disease. Therefore, it has been classified as a Variant of Uncertain Significance.

NM_001005373.4(LRSAM1):c.2110C>A (p.Arg704Ser)

Gene: LRSAM1 (leucine rich repeat and sterile alpha motif containing 1; plus strand). Cytogenetic location: 9q34.11.
Variant type: single nucleotide variant.
Coding change: c.2110C>A on transcript NM_001005373.4 (MANE Select); coding-DNA position 2110, C replaced by A.
Protein change: p.Arg704Ser; replaces arginine 704 with serine.
Molecular consequence: missense variant. On other transcripts: non-coding transcript variant (2).
Genome position (GRCh38, 1-based): chr9:127,502,837, C>A. VCF-style: chr9-127502837-C-A. GRCh37 (hg19) VCF-style: chr9-130265116-C-A.
Other names: c.2110C>A, p.Arg704Ser (NM_001005374.4, NM_001384142.1, NM_138361.5); c.2029C>A, p.Arg677Ser (NM_001190723.3); c.2011C>A, p.Arg671Ser (NM_001384143.1); c.1321C>A, p.Arg441Ser (NM_001384144.1); short protein forms R671S, R677S, R704S, R441S.
Identifiers: ClinVar variation 1356290 (VCV001356290.8), dbSNP rs150984897, ClinGen allele CA374939467.